The following is an entry in ClinVar:

NM_001321967.2(ATAD1):c.1012C>A (p.Arg338=)

Gene: ATAD1 (ATPase family AAA domain containing 1; minus strand). Cytogenetic location: 10q23.31.
Variant type: single nucleotide variant.
Coding change: c.1012C>A on transcript NM_001321967.2 (MANE Select); coding-DNA position 1012, C replaced by A.
Protein change: p.Arg338=; no amino-acid change (arginine 338 retained).
Molecular consequence: synonymous variant. On other transcripts: non-coding transcript variant (1).
Genome position (GRCh38, 1-based): chr10:87,754,761, G>T on the plus strand (C>A on the coding strand, the complement: ATAD1 is on the minus strand). VCF-style: chr10-87754761-G-T. GRCh37 (hg19) VCF-style: chr10-89514518-G-T.
Other names: c.922C>A, p.Arg308= (NM_001321968.2); c.655C>A, p.Arg219= (NM_001321969.2); c.1012C>A, p.Arg338= (NM_032810.4).
Identifiers: ClinVar variation 1993768 (VCV001993768.4), dbSNP rs1470602790, ClinGen allele CA470662293.
Genomic context (GRCh38, chr10:87,754,761, plus strand): 5'-CATGTGTTAAAACATTCTGAAATGCTGCATCCTTTGATTTCTTCATCTTTTCAATTGCCC[G>T]ATGCAGGTCCTGCTGTTGAACAGGCCGAATTTCATCTTCGTCATGGCTAAAATGCAAACA-3'
Protein context (NP_001308896.1, residues 328-348): IRPVQQQDLH[Arg338=]AIEKMKKSKD

ClinVar aggregate classification (germline): Uncertain significance (1 of 4 stars; one submission).

Submission:

Labcorp Genetics (formerly Invitae), Labcorp
Classification: Uncertain significance. Last evaluated: 2022-05-12. Review status: criteria provided, single submitter. Criteria: Invitae Variant Classification Sherloc (09022015). Collection method: clinical testing. Allele origin: germline.
Comment: This sequence change affects codon 338 of the ATAD1 mRNA. It is a 'silent' change, meaning that it does not change the encoded amino acid sequence of the ATAD1 protein. This variant is not present in population databases (gnomAD no frequency). This variant has not been reported in the literature in individuals affected with ATAD1-related conditions. Algorithms developed to predict the effect of sequence changes on RNA splicing suggest that this variant may disrupt the consensus splice site. In summary, the available evidence is currently insufficient to determine the role of this variant in disease. Therefore, it has been classified as a Variant of Uncertain Significance.